The following is an entry in ClinVar:

NM_021927.3(GUF1):c.1321T>C (p.Ser441Pro)

Gene: GUF1 (GTP binding elongation factor GUF1; plus strand). Cytogenetic location: 4p12.
Variant type: single nucleotide variant.
Coding change: c.1321T>C on transcript NM_021927.3 (MANE Select); coding-DNA position 1321, T replaced by C.
Protein change: p.Ser441Pro; replaces serine 441 with proline.
Molecular consequence: missense variant.
Genome position (GRCh38, 1-based): chr4:44,689,961, T>C. VCF-style: chr4-44689961-T-C. GRCh37 (hg19) VCF-style: chr4-44691978-T-C.
Other names: c.349T>C, p.Ser117Pro (NM_001345867.2, NM_001345869.2); c.1321T>C, p.Ser441Pro (NM_001345868.2); short protein forms S441P, S117P.
Identifiers: ClinVar variation 3103329 (VCV003103329.3), dbSNP rs200663719, ClinGen allele CA2905599.

ClinVar aggregate classification (germline): Uncertain significance. Review status: criteria provided, multiple submitters, no conflicts (2 of 4 stars). 2 submissions from 2 submitters: Uncertain significance (2). Last evaluated 2024-09-29.

Allele frequency attached by ClinVar (database versions not stated): TOPMed below 0.00001; gnomAD 0.00001; ExAC 0.00005; gnomAD exomes 0.00006.
gnomAD v4.1: 33 of 1,574,506 alleles (0.0021%); highest among the groups gnomAD compares: East Asian, 0.075%; no homozygotes.

Submissions (2):

Labcorp Genetics (formerly Invitae), Labcorp
Classification: Uncertain significance. Last evaluated: 2024-09-29. Review status: criteria provided, single submitter. Criteria: Invitae Variant Classification Sherloc (09022015). Collection method: clinical testing. Allele origin: germline.
Comment: This sequence change replaces serine, which is neutral and polar, with proline, which is neutral and non-polar, at codon 441 of the GUF1 protein (p.Ser441Pro). This variant is present in population databases (rs200663719, gnomAD 0.05%). This variant has not been reported in the literature in individuals affected with GUF1-related conditions. Invitae Evidence Modeling of protein sequence and biophysical properties (such as structural, functional, and spatial information, amino acid conservation, physicochemical variation, residue mobility, and thermodynamic stability) indicates that this missense variant is not expected to disrupt GUF1 protein function with a negative predictive value of 80%. In summary, the available evidence is currently insufficient to determine the role of this variant in disease. Therefore, it has been classified as a Variant of Uncertain Significance.

Ambry Genetics
Classification: Uncertain significance. Last evaluated: 2024-01-23. Review status: criteria provided, single submitter. Criteria: Ambry Variant Classification Scheme 2023. Collection method: clinical testing. Allele origin: germline.